The following is an entry in ClinVar:

NM_000094.4(COL7A1):c.8304+5G>T

Gene: COL7A1 (collagen type VII alpha 1 chain; minus strand). Cytogenetic location: 3p21.31.
Variant type: single nucleotide variant.
Coding change: c.8304+5G>T on transcript NM_000094.4 (MANE Select); 5 bases into the intron after coding-DNA position 8304, G replaced by T.
Molecular consequence: intron variant.
Genome position (GRCh38, 1-based): chr3:48,566,655, C>A on the plus strand (G>T on the coding strand, the complement: COL7A1 is on the minus strand). VCF-style: chr3-48566655-C-A. GRCh37 (hg19) VCF-style: chr3-48604088-C-A.
Identifiers: ClinVar variation 4719894 (VCV004719894.1).

ClinVar aggregate classification (germline): Uncertain significance (1 of 4 stars; one submission).

Submission:

Labcorp Genetics (formerly Invitae), Labcorp
Classification: Uncertain significance. Last evaluated: 2025-05-25. Review status: criteria provided, single submitter. Criteria: Invitae Variant Classification Sherloc (09022015). Collection method: clinical testing. Allele origin: germline.
Comment: This sequence change falls in intron 111 of the COL7A1 gene. It does not directly change the encoded amino acid sequence of the COL7A1 protein. It affects a nucleotide within the consensus splice site. This variant is not present in population databases (gnomAD no frequency). This variant has not been reported in the literature in individuals affected with COL7A1-related conditions. Variants that disrupt the consensus splice site are a relatively common cause of aberrant splicing (PMID: 17576681, 9536098). Algorithms developed to predict the effect of sequence changes on RNA splicing suggest that this variant may disrupt the consensus splice site. In summary, the available evidence is currently insufficient to determine the role of this variant in disease. Therefore, it has been classified as a Variant of Uncertain Significance.

Literature cited by the submitters: PubMed 17576681; PubMed 9536098.